The following is an entry in ClinVar:

NM_177438.3(DICER1):c.5756T>C (p.Val1919Ala)

Gene: DICER1 (dicer 1, ribonuclease III; minus strand). Cytogenetic location: 14q32.13.
Variant type: single nucleotide variant.
Coding change: c.5756T>C on transcript NM_177438.3 (MANE Select); coding-DNA position 5756, T replaced by C.
Protein change: p.Val1919Ala; replaces valine 1919 with alanine.
Molecular consequence: missense variant. On other transcripts: 3 prime UTR variant (1), non-coding transcript variant (4).
Genome position (GRCh38, 1-based): chr14:95,090,511, A>G on the plus strand (T>C on the coding strand, the complement: DICER1 is on the minus strand). VCF-style: chr14-95090511-A-G. GRCh37 (hg19) VCF-style: chr14-95556848-A-G.
Other names: c.*103T>C (NM_001195573.1); c.5756T>C, p.Val1919Ala (NM_001271282.3, NM_001291628.2, NM_001395677.1 and 7 more transcripts); c.5474T>C, p.Val1825Ala (NM_001395686.1); c.5351T>C, p.Val1784Ala (NM_001395687.1, NM_001395688.1, NM_001395689.1 and 1 more transcripts); c.5189T>C, p.Val1730Ala (NM_001395691.1); c.4073T>C, p.Val1358Ala (NM_001395697.1); short protein forms V1358A, V1784A, V1825A, V1919A, V1730A.
Identifiers: ClinVar variation 5035271 (VCV005035271.1).

ClinVar aggregate classification (germline): Uncertain significance (1 of 4 stars; one submission).

Conditions:
Hereditary cancer-predisposing syndrome. Also called: Hereditary Cancer Syndrome; Neoplastic Syndromes, Hereditary; Tumor predisposition; Hereditary neoplastic syndrome. Identifiers: Orphanet 140162, MedGen C0027672, MeSH D009386, MONDO:0015356.

Submission:

Ambry Genetics
Classification: Uncertain significance for Hereditary cancer-predisposing syndrome. Last evaluated: 2026-07-07. Review status: criteria provided, single submitter. Criteria: Ambry Variant Classification Scheme 2023. Collection method: clinical testing. Allele origin: germline.
Comment: The p.V1919A variant (also known as c.5756T>C), located in coding exon 26 of the DICER1 gene, results from a T to C substitution at nucleotide position 5756. The valine at codon 1919 is replaced by alanine, an amino acid with similar properties. This amino acid position is conserved. In addition, the in silico prediction for this alteration is inconclusive. Based on the available evidence, the clinical significance of this variant remains unclear.